The following is an entry in ClinVar:

NM_033360.4(KRAS):c.*4187del

Gene: KRAS (KRas proto-oncogene, GTPase; minus strand). Cytogenetic location: 12p12.1.
Variant type: Deletion.
Coding change: c.*4187del on transcript NM_033360.4 (MANE Plus Clinical); 4187 bases downstream of the stop codon, one base deleted (A; older notation c.*4187delA).
Molecular consequence: 3 prime UTR variant.
Genome position (GRCh38, 1-based): chr12:25,205,729, T deleted on the plus strand (A on the coding strand, the reverse complement: KRAS is on the minus strand); the first of 8 consecutive T bases (chr12:25,205,729-25,205,736); deleting any one gives the same sequence. VCF-style (leftmost placement, unchanged base first): chr12-25205728-CT-C. GRCh37 (hg19) VCF-style: chr12-25358662-CT-C.
Other names: c.*4187del (NM_001369786.1, LRG_344t2); c.*4066del (NM_001369787.1, NM_004985.5, LRG_344t1).
Identifiers: ClinVar variation 308061 (VCV000308061.29), dbSNP rs34719539, ClinGen allele CA10641640.

ClinVar aggregate classification (germline): Benign (1 of 4 stars; one submission).

Submission:

CeGaT Center for Human Genetics Tuebingen
Classification: Benign. Last evaluated: 2022-08-01. Review status: criteria provided, single submitter. Criteria: CeGaT Center For Human Genetics Tuebingen Variant Classification Criteria Version 2. Collection method: clinical testing. Allele origin: germline. Affected: yes. Observed: 1 variant allele.
Comment: KRAS: BS1, BS2